The following is an entry in ClinVar:

ClinVar aggregate classification (germline): Uncertain significance (1 of 4 stars; one submission).

Conditions:
Neurodevelopmental disorder with or without hyperkinetic movements and seizures, autosomal dominant. Also called: Intellectual disability, autosomal dominant 8. Identifiers: MedGen C3280282, MONDO:0013655, OMIM 614254.

Submission:

Labcorp Genetics (formerly Invitae), Labcorp
Classification: Uncertain significance for Neurodevelopmental disorder with or without hyperkinetic movements and seizures, autosomal dominant. Last evaluated: 2024-11-08. Review status: criteria provided, single submitter. Criteria: Invitae Variant Classification Sherloc (09022015). Collection method: clinical testing. Allele origin: germline.
Comment: This sequence change results in a frameshift in the GRIN1 gene (p.Val855Leufs*200). While this is not anticipated to result in nonsense mediated decay, it is expected to disrupt the last 84 amino acid(s) of the GRIN1 protein and extend the protein by 115 additional amino acid residues. This variant is not present in population databases (gnomAD no frequency). This variant has not been reported in the literature in individuals affected with GRIN1-related conditions. This variant disrupts a region of the GRIN1 protein in which other variant(s) (p.Arg894His) have been observed in individuals with GRIN1-related conditions (internal data). This suggests that this is a clinically significant region of the protein, and that variants that disrupt it are likely to be disease-causing. In summary, the available evidence is currently insufficient to determine the role of this variant in disease. Therefore, it has been classified as a Variant of Uncertain Significance.

NM_007327.4(GRIN1):c.2562del (p.Val855fs)

Gene: GRIN1 (glutamate ionotropic receptor NMDA type subunit 1; plus strand). Cytogenetic location: 9q34.3.
Variant type: Deletion.
Coding change: c.2562del on transcript NM_007327.4 (MANE Select); coding-DNA position 2562, one base deleted (C; older notation c.2562delC).
Protein change: p.Val855fs; shifts the reading frame from valine 855.
Molecular consequence: frameshift variant.
Genome position (GRCh38, 1-based): chr9:137,163,877, C deleted; the last of 2 consecutive C bases (chr9:137,163,876-137,163,877); deleting either gives the same sequence. VCF-style (leftmost placement, unchanged base first): chr9-137163875-GC-G. GRCh37 (hg19) VCF-style: chr9-140058327-GC-G.
Other names: c.2562del, p.Val855fs (NM_000832.7, NM_021569.4); c.2625del, p.Val876fs (NM_001185090.2, NM_001185091.2); short protein forms V855fs, V876fs.
Identifiers: ClinVar variation 3681302 (VCV003681302.2).